The following is an entry in ClinVar:

ClinVar aggregate classification (germline): Uncertain significance. Review status: criteria provided, multiple submitters, no conflicts (2 of 4 stars). 3 submissions from 3 submitters: Uncertain significance (3). Last evaluated 2024-02-29.

Conditions:
Episodic ataxia type 2 (EA2). Also called: ATAXIA, EPISODIC, WITH NYSTAGMUS; ATAXIA, FAMILIAL PAROXYSMAL; CEREBELLAR ATAXIA, PAROXYSMAL, ACETAZOLAMIDE-RESPONSIVE; CEREBELLOPATHY, HEREDITARY PAROXYSMAL; EPISODIC ATAXIA, NYSTAGMUS-ASSOCIATED; ACETAZOLAMIDE-RESPONSIVE HEREDITARY PAROXYSMAL CEREBELLAR ATAXIA. Identifiers: Orphanet 97, MedGen C1720416, MONDO:0007163, OMIM 108500.
Developmental and epileptic encephalopathy, 42 (DEE42A). Also called: Epileptic encephalopathy, early infantile, 42; DEVELOPMENTAL AND EPILEPTIC ENCEPHALOPATHY 42A; EPILEPTIC ENCEPHALOPATHY, EARLY INFANTILE, 42A. Identifiers: MedGen C4310716, MONDO:0014917, OMIM 617106.

Allele frequency attached by ClinVar (database versions not stated): gnomAD exomes below 0.00001.
gnomAD v4.1: 1 of 1,613,946 alleles (0.000062%); highest among the groups gnomAD compares: South Asian, 0.0011%; no homozygotes.

Submissions (3):

GeneDx
Classification: Uncertain significance. Last evaluated: 2024-02-29. Review status: criteria provided, single submitter. Criteria: GeneDx Variant Classification Process June 2021. Collection method: clinical testing. Allele origin: germline. Affected: yes.
Comment: Not observed at significant frequency in large population cohorts (gnomAD); In silico analysis supports that this missense variant has a deleterious effect on protein structure/function; Has not been previously published as pathogenic or benign to our knowledge

Labcorp Genetics (formerly Invitae), Labcorp
Classification: Uncertain significance for Developmental and epileptic encephalopathy, 42; Episodic ataxia type 2. Last evaluated: 2024-01-02. Review status: criteria provided, single submitter. Criteria: Invitae Variant Classification Sherloc (09022015). Collection method: clinical testing. Allele origin: germline.
Comment: This sequence change replaces glutamic acid, which is acidic and polar, with lysine, which is basic and polar, at codon 1922 of the CACNA1A protein (p.Glu1922Lys). This variant is not present in population databases (gnomAD no frequency). This variant has not been reported in the literature in individuals affected with CACNA1A-related conditions. ClinVar contains an entry for this variant (Variation ID: 1256619). Advanced modeling of protein sequence and biophysical properties (such as structural, functional, and spatial information, amino acid conservation, physicochemical variation, residue mobility, and thermodynamic stability) performed at Invitae indicates that this missense variant is not expected to disrupt CACNA1A protein function with a negative predictive value of 95%. In summary, the available evidence is currently insufficient to determine the role of this variant in disease. Therefore, it has been classified as a Variant of Uncertain Significance.

Athena Diagnostics
Classification: Uncertain significance. Last evaluated: 2021-02-16. Review status: criteria provided, single submitter. Criteria: Athena Diagnostics criteria. Collection method: clinical testing. Allele origin: unknown.

NM_001127222.2(CACNA1A):c.5761G>A (p.Glu1921Lys)

Gene: CACNA1A (calcium voltage-gated channel subunit alpha1 A; minus strand). Cytogenetic location: 19p13.13.
Variant type: single nucleotide variant.
Coding change: c.5761G>A on transcript NM_001127222.2 (MANE Select); coding-DNA position 5761, G replaced by A.
Protein change: p.Glu1921Lys; replaces glutamic acid 1921 with lysine.
Molecular consequence: missense variant.
Genome position (GRCh38, 1-based): chr19:13,214,579, C>T on the plus strand (G>A on the coding strand, the complement: CACNA1A is on the minus strand). VCF-style: chr19-13214579-C-T. GRCh37 (hg19) VCF-style: chr19-13325393-C-T.
Other names: c.5764G>A (NM_001127221.1); c.5779G>A, p.Glu1927Lys (NM_000068.4, NM_023035.3); c.5764G>A, p.Glu1922Lys (NM_001127221.2); c.5770G>A, p.Glu1924Lys (NM_001174080.2); short protein forms E1921K, E1922K, E1924K, E1927K.
Identifiers: ClinVar variation 1256619 (VCV001256619.7), dbSNP rs2144537759, ClinGen allele CA404334573.